The following is an entry in ClinVar:

NM_001292063.2(OTOG):c.7072+1G>A

Gene: OTOG (otogelin; plus strand). Cytogenetic location: 11p15.1.
Variant type: single nucleotide variant.
Coding change: c.7072+1G>A on transcript NM_001292063.2 (MANE Select); the canonical splice donor site of the intron after coding-DNA position 7072, G replaced by A.
Molecular consequence: splice donor variant.
Genome position (GRCh38, 1-based): chr11:17,632,227, G>A. VCF-style: chr11-17632227-G-A. GRCh37 (hg19) VCF-style: chr11-17653774-G-A.
Other names: c.7108+1G>A (NM_001277269.2).
Identifiers: ClinVar variation 3075883 (VCV003075883.2), dbSNP rs2497608352, ClinGen allele CA379810929.

ClinVar aggregate classification (germline): Likely pathogenic. Review status: criteria provided, multiple submitters, no conflicts (2 of 4 stars). 2 submissions from 2 submitters: Likely pathogenic (2). Last evaluated 2026-08-06.

Conditions:
Rare genetic deafness. Identifiers: Orphanet 96210, MedGen C5680250.
Autosomal recessive nonsyndromic hearing loss 18B. Also called: Deafness, autosomal recessive 18b. Identifiers: Orphanet 90636, MedGen C3554163, MONDO:0013985, OMIM 614945.

gnomAD v4.1: 20 of 1,548,888 alleles (0.0013%); highest among the groups gnomAD compares: Non-Finnish European, 0.0017%; no homozygotes.

Submissions (2):

OLLIN Analises Genomicas, OLLIN
Classification: Likely pathogenic for Autosomal recessive nonsyndromic hearing loss 18B. Last evaluated: 2026-08-06. Review status: criteria provided, single submitter. Criteria: ACMG Guidelines 2015 PMID 25741868. Collection method: clinical testing. Allele origin: germline. Inheritance: Autosomal recessive inheritance.
Comment: This variant, located at the canonical splicing site (splice donor), has been reported in ClinVar (accession VCV003075883.1) and in gnomAD with an allele frequency of 0.0013%. However, to our knowledge, it has not been reported in the scientific literature. This variant is predicted to disrupt a canonical splice site, potentially leading to exon skipping, mRNA degradation via nonsense-mediated decay (NMD), or production of a truncated protein. According to the currently available evidence, this variant has been classified as likely pathogenic (PVS1, PM2_P).

Laboratory for Molecular Medicine, Mass General Brigham Personalized Medicine
Classification: Likely pathogenic for Rare genetic deafness. Last evaluated: 2022-08-26. Review status: criteria provided, single submitter. Criteria: ACMG Guidelines, 2015. Collection method: clinical testing. Allele origin: germline.
Comment: The c.7108+1G>A variant in OTOG has not been reported in individuals with disease and was absent from large population studies. This variant occurs within the canonical splice site (+/- 1,2) and is predicted to cause altered splicing leading to an abnormal or absent protein. Loss of function of the OTOG gene is an established disease mechanism in autosomal recessive non syndromic hearing loss. In summary, although additional studies are required to fully establish its clinical significance, this variant meets criteria to be classified as likely pathogenic for autosomal recessive nonsyndromic hearing loss. ACMG/AMP criteria applied: PM2_supporting, PVS1.